The following is an entry in ClinVar:

ClinVar aggregate classification (germline): Pathogenic (1 of 4 stars; one submission).

Conditions:
Methylcobalamin deficiency type cblG (HMAG). Also called: HOMOCYSTINURIA-MEGALOBLASTIC ANEMIA, cblG COMPLEMENTATION TYPE; Functional methionine synthase deficiency type cblG; HOMOCYSTINURIA-MEGALOBLASTIC ANEMIA DUE TO DEFECT IN COBALAMIN METABOLISM, cblG COMPLEMENTATION TYPE; HOMOCYSTINURIA-MEGALOBLASTIC ANEMIA, cblG TYPE. Identifiers: Orphanet 2170, Orphanet 622, MedGen C1855128, MONDO:0009609, OMIM 250940.

Allele frequency attached by ClinVar (database versions not stated): gnomAD exomes 0.00001; TOPMed 0.00001.
gnomAD v4.1: 21 of 1,614,046 alleles (0.0013%); highest among the groups gnomAD compares: Admixed American, 0.0033%; no homozygotes.

Submission:

Labcorp Genetics (formerly Invitae), Labcorp
Classification: Pathogenic for Methylcobalamin deficiency type cblG. Last evaluated: 2023-10-16. Review status: criteria provided, single submitter. Criteria: Invitae Variant Classification Sherloc (09022015). Collection method: clinical testing. Allele origin: germline.
Comment: This sequence change creates a premature translational stop signal (p.Arg52*) in the MTR gene. It is expected to result in an absent or disrupted protein product. Loss-of-function variants in MTR are known to be pathogenic (PMID: 9683607, 12068375). This variant is present in population databases (rs767201867, gnomAD 0.0009%). This variant has not been reported in the literature in individuals affected with MTR-related conditions. For these reasons, this variant has been classified as Pathogenic.

Literature cited by the submitters: PubMed 9683607; PubMed 12068375.

NM_000254.3(MTR):c.154C>T (p.Arg52Ter)

Gene: MTR (5-methyltetrahydrofolate-homocysteine methyltransferase; plus strand). Cytogenetic location: 1q43.
Variant type: single nucleotide variant.
Coding change: c.154C>T on transcript NM_000254.3 (MANE Select); coding-DNA position 154, C replaced by T.
Protein change: p.Arg52Ter; replaces arginine 52 with a stop codon.
Molecular consequence: nonsense. On other transcripts: 5 prime UTR variant (1).
Genome position (GRCh38, 1-based): chr1:236,803,547, C>T. VCF-style: chr1-236803547-C-T. GRCh37 (hg19) VCF-style: chr1-236966847-C-T.
Other names: c.154C>T, p.Arg52Ter (NM_001291939.1, NM_001410942.1); c.-955C>T (NM_001291940.2); short protein forms R52*.
Identifiers: ClinVar variation 2982725 (VCV002982725.3), dbSNP rs767201867, ClinGen allele CA39730833.
Genomic context (GRCh38, chr1:236,803,547, plus strand): 5'-GTGCTGGATGGAGGGATGGGGACCATGATCCAGCGGGAGAAGCTAAACGAAGAACACTTC[C>T]GAGGTCAGGAATTTAAAGATCATGCCAGGCCGCTGAAAGGCAACAATGACATTTTAAGTA-3'